The following is an entry in ClinVar:

NM_005654.6(NR2F1):c.1016C>A (p.Ala339Asp)

Gene: NR2F1 (nuclear receptor subfamily 2 group F member 1; plus strand). Cytogenetic location: 5q15.
Variant type: single nucleotide variant.
Coding change: c.1016C>A on transcript NM_005654.6 (MANE Select); coding-DNA position 1016, C replaced by A.
Protein change: p.Ala339Asp; replaces alanine 339 with aspartic acid.
Molecular consequence: missense variant.
Genome position (GRCh38, 1-based): chr5:93,593,586, C>A. VCF-style: chr5-93593586-C-A. GRCh37 (hg19) VCF-style: chr5-92929292-C-A.
Other names: short protein forms A339D.
Identifiers: ClinVar variation 1310567 (VCV001310567.2), dbSNP rs773473731, ClinGen allele CA360527605.

ClinVar aggregate classification (germline): Uncertain significance (1 of 4 stars; one submission).

Submission:

GeneDx
Classification: Uncertain significance. Last evaluated: 2019-11-25. Review status: criteria provided, single submitter. Criteria: GeneDx Variant Classification Process June 2021. Collection method: clinical testing. Allele origin: germline. Affected: yes.
Comment: Not observed in large population cohorts (Lek et al., 2016); In silico analysis, which includes protein predictors and evolutionary conservation, supports a deleterious effect; Has not been previously published as pathogenic or benign to our knowledge